The following is an entry in ClinVar:

NM_001377405.1(ATXN7):c.273G>C (p.Leu91=)

Genes: ATXN7 (ataxin 7; plus strand), LOC129936979 (ATAC-STARR-seq lymphoblastoid silent region 14501; plus strand). Cytogenetic location: 3p14.1.
Variant type: single nucleotide variant.
Coding change: c.273G>C on transcript NM_001377405.1 (MANE Select); coding-DNA position 273, G replaced by C.
Protein change: p.Leu91=; no amino-acid change (leucine 91 retained).
Molecular consequence: synonymous variant.
Genome position (GRCh38, 1-based): chr3:63,912,871, G>C. VCF-style: chr3-63912871-G-C. GRCh37 (hg19) VCF-style: chr3-63898547-G-C.
Other names: c.273G>C, p.Leu91= (NM_000333.4, NM_001177387.1, NM_001377406.1).
Identifiers: ClinVar variation 1284420 (VCV001284420.28), dbSNP rs201334618, ClinGen allele CA2478212.

ClinVar aggregate classification (germline): Likely benign. Review status: criteria provided, multiple submitters, no conflicts (2 of 4 stars). 4 submissions from 4 submitters: Likely benign (2). 2 of the submissions do not count toward it. Last evaluated 2026-06-01.

Allele frequency attached by ClinVar (database versions not stated): 1000 Genomes Project 30x 0.00109; 1000 Genomes Project 0.00140; gnomAD exomes 0.00165 and 0.00253; TOPMed 0.00165; ExAC 0.00193; gnomAD 0.00208 and 0.00211; ESP Exome Variant Server 0.00251.
gnomAD v4.1: 3,979 of 1,613,414 alleles (0.25%); highest among the groups gnomAD compares: Non-Finnish European, 0.31%; 10 homozygotes.

Submissions (4):

CeGaT Center for Human Genetics Tuebingen
Classification: Likely benign. Last evaluated: 2026-06-01. Review status: criteria provided, single submitter. Criteria: CeGaT Center For Human Genetics Tuebingen Variant Classification Criteria Version 2. Collection method: clinical testing. Allele origin: germline. Affected: yes. Observed: 4 variant alleles.
Comment: ATXN7: BP4, BP7

Blueprint Genetics
Classification: Likely benign. Last evaluated: 2024-11-26. Review status: criteria provided, single submitter. Criteria: ACMG Guidelines, 2015. Collection method: clinical testing. Allele origin: germline.

Clinical Genetics DNA and cytogenetics Diagnostics Lab, Erasmus MC, Erasmus Medical Center
Classification: Likely benign. Review status: no assertion criteria provided. Collection method: clinical testing. Allele origin: germline. Affected: yes. Study: VKGL Data-share Consensus. Not counted in ClinVar's aggregate classification.

Clinical Genetics, Academic Medical Center
Classification: Benign. Review status: no assertion criteria provided. Collection method: clinical testing. Allele origin: germline. Affected: yes. Study: VKGL Data-share Consensus. Not counted in ClinVar's aggregate classification.